The following is an entry in ClinVar:

NM_001079802.2(FKTN):c.224T>C (p.Ile75Thr)

Gene: FKTN (fukutin; plus strand). Cytogenetic location: 9q31.2.
Variant type: single nucleotide variant.
Coding change: c.224T>C on transcript NM_001079802.2 (MANE Select); coding-DNA position 224, T replaced by C.
Protein change: p.Ile75Thr; replaces isoleucine 75 with threonine.
Molecular consequence: missense variant. On other transcripts: 5 prime UTR variant (4), non-coding transcript variant (2).
Genome position (GRCh38, 1-based): chr9:105,601,203, T>C. VCF-style: chr9-105601203-T-C. GRCh37 (hg19) VCF-style: chr9-108363484-T-C.
Other names: c.224T>C, p.Ile75Thr (NM_001198963.2, NM_001351496.2, NM_001351498.2 and 1 more transcripts); c.155T>C, p.Ile52Thr (NM_001351497.2); c.-291T>C (NM_001351499.2, NM_001351500.2, NM_001351501.2 and 1 more transcripts); short protein forms I52T, I75T.
Identifiers: ClinVar variation 1034870 (VCV001034870.6), dbSNP rs756178260, ClinGen allele CA5170358.

ClinVar aggregate classification (germline): Uncertain significance. Review status: criteria provided, single submitter (1 of 4 stars). 2 submissions from 2 submitters: Uncertain significance (1). 1 of the submissions does not count toward it. Last evaluated 2022-04-04.

Conditions:
Walker-Warburg congenital muscular dystrophy. Also called: Muscular dystrophy-dystroglycanopathy, type A; Walker-Warburg syndrome. Identifiers: Orphanet 899, MedGen C0265221, MONDO:0000171.

Allele frequency attached by ClinVar (database versions not stated): gnomAD exomes below 0.00001; ExAC 0.00001.
gnomAD v4.1: 4 of 1,611,238 alleles (0.00025%); highest among the groups gnomAD compares: South Asian, 0.0011%; no homozygotes.

Submissions (2):

Labcorp Genetics (formerly Invitae), Labcorp
Classification: Uncertain significance for Walker-Warburg congenital muscular dystrophy. Last evaluated: 2022-04-04. Review status: criteria provided, single submitter. Criteria: Invitae Variant Classification Sherloc (09022015). Collection method: clinical testing. Allele origin: germline.
Comment: This sequence change replaces isoleucine, which is neutral and non-polar, with threonine, which is neutral and polar, at codon 75 of the FKTN protein (p.Ile75Thr). This variant is present in population databases (rs756178260, gnomAD 0.003%). This variant has not been reported in the literature in individuals affected with FKTN-related conditions. ClinVar contains an entry for this variant (Variation ID: 1034870). Algorithms developed to predict the effect of missense changes on protein structure and function (SIFT, PolyPhen-2, Align-GVGD) all suggest that this variant is likely to be tolerated. In summary, the available evidence is currently insufficient to determine the role of this variant in disease. Therefore, it has been classified as a Variant of Uncertain Significance.

Natera, Inc.
Classification: Uncertain significance for Walker-Warburg congenital muscular dystrophy. Last evaluated: 2020-11-16. Review status: no assertion criteria provided. Collection method: clinical testing. Allele origin: germline. Not counted in ClinVar's aggregate classification.